The following is an entry in ClinVar:

ClinVar aggregate classification (germline): Uncertain significance. Review status: criteria provided, multiple submitters, no conflicts (2 of 4 stars). 2 submissions from 2 submitters: Uncertain significance (2). Last evaluated 2025-02-26.

Conditions:
Inborn genetic diseases. Identifiers: MedGen C0950123, MeSH D030342.

Allele frequency attached by ClinVar (database versions not stated): gnomAD exomes below 0.00001.
gnomAD v4.1: 9 of 1,614,150 alleles (0.00056%); highest among the groups gnomAD compares: African/African-American, 0.0067%; no homozygotes.

Submissions (2):

GeneDx
Classification: Uncertain significance. Last evaluated: 2025-02-26. Review status: criteria provided, single submitter. Criteria: GeneDx Variant Classification Process June 2021. Collection method: clinical testing. Allele origin: germline. Affected: yes.
Comment: Not observed at significant frequency in large population cohorts (gnomAD); In silico analysis supports that this missense variant has a deleterious effect on protein structure/function; Has not been previously published as pathogenic or benign to our knowledge

Ambry Genetics
Classification: Uncertain significance for Inborn genetic diseases. Last evaluated: 2021-08-09. Review status: criteria provided, single submitter. Criteria: Ambry Variant Classification Scheme 2023. Collection method: clinical testing. Allele origin: germline.

NM_002454.3(MTRR):c.178A>G (p.Thr60Ala)

Gene: MTRR (5-methyltetrahydrofolate-homocysteine methyltransferase reductase; plus strand). Cytogenetic location: 5p15.31.
Variant type: single nucleotide variant.
Coding change: c.178A>G on transcript NM_002454.3 (MANE Select); coding-DNA position 178, A replaced by G.
Protein change: p.Thr60Ala; replaces threonine 60 with alanine.
Molecular consequence: missense variant. On other transcripts: non-coding transcript variant (8).
Genome position (GRCh38, 1-based): chr5:7,873,421, A>G. VCF-style: chr5-7873421-A-G. GRCh37 (hg19) VCF-style: chr5-7873534-A-G.
Other names: c.178A>G, p.Thr60Ala (NM_001364440.2, NM_001364441.2, NM_001364442.2 and 1 more transcripts); short protein forms T60A.
Identifiers: ClinVar variation 1318939 (VCV001318939.5), dbSNP rs114930926, ClinGen allele CA113795223.